The following is an entry in ClinVar:

NM_001376.5(DYNC1H1):c.8755G>A (p.Val2919Met)

Gene: DYNC1H1 (dynein cytoplasmic 1 heavy chain 1; plus strand). Cytogenetic location: 14q32.31.
Variant type: single nucleotide variant.
Coding change: c.8755G>A on transcript NM_001376.5 (MANE Select); coding-DNA position 8755, G replaced by A.
Protein change: p.Val2919Met; replaces valine 2919 with methionine.
Molecular consequence: missense variant.
Genome position (GRCh38, 1-based): chr14:102,026,691, G>A. VCF-style: chr14-102026691-G-A. GRCh37 (hg19) VCF-style: chr14-102493028-G-A.
Other names: short protein forms V2919M.
Identifiers: ClinVar variation 2120252 (VCV002120252.4), dbSNP rs2503801626, ClinGen allele CA391009339.
Genomic context (GRCh38, chr14:102,026,691, plus strand): 5'-GTCTTTTATGAAGAAGAACTTGATGTTCCGCTGGTGCTGTTTAATGAAGTCCTAGACCAC[G>A]TGCTGAGGATTGACAGGTGGGCTTTTTTGTTGTTACAGCCCCACCTCTCGCCTAAGCTGC-3'
Protein context (NP_001367.2, residues 2909-2929): LVLFNEVLDH[Val2919Met]LRIDRIFRQP

ClinVar aggregate classification (germline): Uncertain significance (1 of 4 stars; one submission).

Conditions:
Charcot-Marie-Tooth disease axonal type 2O. Also called: CHARCOT-MARIE-TOOTH NEUROPATHY, AXONAL, TYPE 2O; CHARCOT-MARIE-TOOTH DISEASE, AXONAL, AUTOSOMAL DOMINANT, TYPE 2O; Charcot-Marie-Tooth Neuropathy Type 2O; Charcot-Marie-Tooth disease, axonal, type 20. Identifiers: Orphanet 284232, MedGen C3280220, MONDO:0013644, OMIM 614228.

Submission:

Labcorp Genetics (formerly Invitae), Labcorp
Classification: Uncertain significance for Charcot-Marie-Tooth disease axonal type 2O. Last evaluated: 2022-04-01. Review status: criteria provided, single submitter. Criteria: Invitae Variant Classification Sherloc (09022015). Collection method: clinical testing. Allele origin: germline.
Comment: In summary, the available evidence is currently insufficient to determine the role of this variant in disease. Therefore, it has been classified as a Variant of Uncertain Significance. Advanced modeling of protein sequence and biophysical properties (such as structural, functional, and spatial information, amino acid conservation, physicochemical variation, residue mobility, and thermodynamic stability) performed at Invitae indicates that this missense variant is not expected to disrupt DYNC1H1 protein function. This variant has not been reported in the literature in individuals affected with DYNC1H1-related conditions. This variant is not present in population databases (gnomAD no frequency). This sequence change replaces valine, which is neutral and non-polar, with methionine, which is neutral and non-polar, at codon 2919 of the DYNC1H1 protein (p.Val2919Met).